The following is an entry in ClinVar:

ClinVar aggregate classification (germline): Uncertain significance. Review status: criteria provided, multiple submitters, no conflicts (2 of 4 stars). 3 submissions from 3 submitters: Uncertain significance (3). Last evaluated 2024-04-16.

Conditions:
Hermansky-Pudlak syndrome 1 (HPS1). Also called: DELTA STORAGE POOL DISEASE. Identifiers: Orphanet 231500, Orphanet 79430, MedGen C2931875, MONDO:0008748, OMIM 203300.

Allele frequency attached by ClinVar (database versions not stated): 1000 Genomes Project below 0.00001; ExAC 0.00005; TOPMed 0.00008; gnomAD 0.00016 and 0.00017; 1000 Genomes Project 30x 0.00031.
gnomAD v4.1: 119 of 1,558,900 alleles (0.0076%); highest among the groups gnomAD compares: Non-Finnish European, 0.009%; no homozygotes.

Submissions (3):

Fulgent Genetics
Classification: Uncertain significance for Hermansky-Pudlak syndrome 1. Last evaluated: 2024-04-16. Review status: criteria provided, single submitter. Criteria: ACMG Guidelines, 2015. Collection method: clinical testing. Allele origin: germline.

Labcorp Genetics (formerly Invitae), Labcorp
Classification: Uncertain significance. Last evaluated: 2022-09-01. Review status: criteria provided, single submitter. Criteria: Invitae Variant Classification Sherloc (09022015). Collection method: clinical testing. Allele origin: germline.
Comment: This sequence change replaces glutamic acid, which is acidic and polar, with aspartic acid, which is acidic and polar, at codon 161 of the HPS1 protein (p.Glu161Asp). The frequency data for this variant in the population databases is considered unreliable, as metrics indicate poor data quality at this position in the gnomAD database. This variant has not been reported in the literature in individuals affected with HPS1-related conditions. ClinVar contains an entry for this variant (Variation ID: 286080). Algorithms developed to predict the effect of missense changes on protein structure and function output the following: SIFT: "Tolerated"; PolyPhen-2: "Benign"; Align-GVGD: "Class C0". The aspartic acid amino acid residue is found in multiple mammalian species, which suggests that this missense change does not adversely affect protein function. In summary, the available evidence is currently insufficient to determine the role of this variant in disease. Therefore, it has been classified as a Variant of Uncertain Significance.

Eurofins Ntd Llc (ga)
Classification: Uncertain significance. Last evaluated: 2016-02-19. Review status: criteria provided, single submitter. Criteria: EGL Classification Definitions 2015. Collection method: clinical testing. Allele origin: germline. Observed: 1 variant allele, 1 heterozygote.

NM_000195.5(HPS1):c.483G>T (p.Glu161Asp)

Gene: HPS1 (HPS1 biogenesis of lysosomal organelles complex 3 subunit 1; minus strand). Cytogenetic location: 10q24.2.
Variant type: single nucleotide variant.
Coding change: c.483G>T on transcript NM_000195.5 (MANE Select); coding-DNA position 483, G replaced by T.
Protein change: p.Glu161Asp; replaces glutamic acid 161 with aspartic acid.
Molecular consequence: missense variant. On other transcripts: 5 prime UTR variant (3).
Genome position (GRCh38, 1-based): chr10:98,434,007, C>A on the plus strand (G>T on the coding strand, the complement: HPS1 is on the minus strand). VCF-style: chr10-98434007-C-A. GRCh37 (hg19) VCF-style: chr10-100193764-C-A.
Other names: c.-434G>T (NM_001311345.2, NM_001322489.2); c.483G>T, p.Glu161Asp (NM_001322476.2, NM_001322477.2, NM_001322478.2 and 5 more transcripts); c.340G>T, p.Ala114Ser (NM_001322480.2, NM_001322481.2, NM_001322482.2); c.114G>T, p.Glu38Asp (NM_001322483.2, NM_001322484.2, NM_001322485.2); c.-533G>T (NM_001322487.2); short protein forms E161D, A114S, E38D.
Identifiers: ClinVar variation 286080 (VCV000286080.8), dbSNP rs573247261, ClinGen allele CA5639395.
Genomic context (GRCh38, chr10:98,434,007, plus strand): 5'-CTTCAAGTCCTGAGGACTCCCGCGCCCAGTAGTCACCTCCACGGCGAAGCACTGCTCCTG[C>A]TCCCGCAGGCGGCTGTAGGTCCACAGCAGGCTCTGGAAGTGCTCCCACAGCTGGACACGC-3'
Protein context (NP_000186.2, residues 151-171): SLLWTYSRLR[Glu161Asp]QEQCFAVEAL